The following is an entry in ClinVar:

NM_001024630.4(RUNX2):c.103C>A (p.Gln35Lys)

Gene: RUNX2 (RUNX family transcription factor 2; plus strand). Cytogenetic location: 6p21.1.
Variant type: single nucleotide variant.
Coding change: c.103C>A on transcript NM_001024630.4 (MANE Select); coding-DNA position 103, C replaced by A.
Protein change: p.Gln35Lys; replaces glutamine 35 with lysine.
Molecular consequence: missense variant.
Genome position (GRCh38, 1-based): chr6:45,422,637, C>A. VCF-style: chr6-45422637-C-A. GRCh37 (hg19) VCF-style: chr6-45390374-C-A.
Other names: c.103C>A, p.Gln35Lys (NM_001015051.4); c.61C>A, p.Gln21Lys (NM_001278478.2, NM_001369405.1); short protein forms Q21K, Q35K.
Identifiers: ClinVar variation 4881171 (VCV004881171.2).

ClinVar aggregate classification (germline): Uncertain significance (1 of 4 stars; one submission).

Submission:

Dasa
Classification: Uncertain significance. Last evaluated: 2024-06-12. Review status: criteria provided, single submitter. Criteria: DASA Assertion Criteria. Collection method: clinical testing. Allele origin: germline.
Comment: NM_001024630.4(RUNX2):c.103C>A (p.Gln35Lys) is a missense variant that results in the substitution of glutamine with lysine. This variant is rare in population databases. Computational prediction algorithms are consistent with a benign effect. The currently available literature and clinical evidence are not sufficient to establish a definitive association between this variant and the reported condition. Therefore, this variant is classified as a variant of uncertain significance.